The following is an entry in ClinVar:

ClinVar aggregate classification (germline): Benign. Review status: criteria provided, single submitter (1 of 4 stars). 2 submissions from 1 submitter: Benign (2). Last evaluated 2018-01-13.

Conditions:
Craniometaphyseal dysplasia, autosomal dominant (CMDD). Identifiers: Orphanet 1522, MedGen C1852502, MONDO:0007397, OMIM 123000.
Chondrocalcinosis 2. Also called: CALCIUM GOUT; CALCIUM PYROPHOSPHATE ARTHROPATHY; Familial calcium pyrophosphate deposition. Identifiers: Orphanet 1416, MedGen C0856830, MONDO:0007319, OMIM 118600.

Allele frequency attached by ClinVar (database versions not stated): gnomAD 0.00046 and 0.00051; TOPMed 0.00047; 1000 Genomes Project 30x 0.00078; 1000 Genomes Project 0.00120.

Submissions (2):

Illumina Laboratory Services, Illumina
Classification: Benign for Chondrocalcinosis 2. Last evaluated: 2018-01-13. Review status: criteria provided, single submitter. Criteria: ICSL Variant Classification Criteria 13 December 2019. Collection method: clinical testing. Allele origin: germline.
Comment: This variant was observed in the ICSL laboratory as part of a predisposition screen in an ostensibly healthy population. It had not been previously curated by ICSL or reported in the Human Gene Mutation Database (HGMD: prior to June 1st, 2018), and was therefore a candidate for classification through an automated scoring system. Utilizing variant allele frequency, disease prevalence and penetrance estimates, and inheritance mode, an automated score was calculated to assess if this variant is too frequent to cause the disease. Based on the score and internal cut-off values, a variant classified as benign is not then subjected to further curation. The score for this variant resulted in a classification of benign for this disease.

Illumina Laboratory Services, Illumina
Classification: Benign for Craniometaphyseal dysplasia, autosomal dominant. Last evaluated: 2018-01-13. Review status: criteria provided, single submitter. Criteria: ICSL Variant Classification Criteria 13 December 2019. Collection method: clinical testing. Allele origin: germline.
Comment: the same text as in the submission from Illumina Laboratory Services, Illumina above.

NM_054027.6(ANKH):c.*706C>T

Genes: ANKH (ANKH inorganic pyrophosphate transport regulator; minus strand), OTULIN (OTU deubiquitinase with linear linkage specificity; plus strand). Cytogenetic location: 5p15.2.
Variant type: single nucleotide variant.
Coding change: c.*706C>T on transcript NM_054027.6 (MANE Select); 706 bases downstream of the stop codon, C replaced by T.
Molecular consequence: 3 prime UTR variant.
Genome position (GRCh38, 1-based): chr5:14,710,491, G>A on the plus strand (C>T on the coding strand, the complement: ANKH is on the minus strand). VCF-style: chr5-14710491-G-A. GRCh37 (hg19) VCF-style: chr5-14710600-G-A.
Identifiers: ClinVar variation 351484 (VCV000351484.5), dbSNP rs150916853, ClinGen allele CA10620514.
Genomic context (GRCh38, chr5:14,710,491, plus strand): 5'-TGTATATACACGGTGGGGGTGAGAACTGACAGCTTGCTCAGATCTAGGAGAACGCAGAGT[G>A]AAATGCTATCATTCAACCATGTCAGTTTGCTGCCCCCGGGGCATTTCAAACCAAACCTTT-3'